The following is an entry in ClinVar:

ClinVar aggregate classification (germline): Benign/Likely benign (0 of 4 stars; one submission).

Submission:

GeneDx
Classification: Benign/Likely benign. Last evaluated: 2011-04-30. Review status: no assertion criteria provided. Collection method: clinical testing. Allele origin: not provided. Affected: yes. Observed: 2 variant alleles.
Comment: Likely benign (1), Benign (1)

GRCh38/hg38 7q21.11(chr7:79708363-79763854)x3

Variant type: copy number gain.
Change: copy number 3 (three copies instead of two) of chr7:79,708,363-79,763,854 (55.5 kb, GRCh38 coordinates, 1-based), cytogenetic band 7q21.11.
Identifiers: ClinVar variation 152397 (VCV000152397.1).